The following is an entry in ClinVar:

NM_001002755.4(NFU1):c.301A>G (p.Arg101Gly)

Gene: NFU1 (NFU1 iron-sulfur cluster scaffold; minus strand). Cytogenetic location: 2p13.3.
Variant type: single nucleotide variant.
Coding change: c.301A>G on transcript NM_001002755.4 (MANE Select); coding-DNA position 301, A replaced by G.
Protein change: p.Arg101Gly; replaces arginine 101 with glycine.
Molecular consequence: missense variant. On other transcripts: intron variant (1).
Genome position (GRCh38, 1-based): chr2:69,423,583, T>C on the plus strand (A>G on the coding strand, the complement: NFU1 is on the minus strand). VCF-style: chr2-69423583-T-C. GRCh37 (hg19) VCF-style: chr2-69650715-T-C.
Other names: c.229A>G, p.Arg77Gly (NM_001374284.1, NM_015700.4); c.-121-3979A>G (NM_001002756.2); short protein forms R101G, R77G.
Identifiers: ClinVar variation 1303303 (VCV001303303.3), dbSNP rs2104792930, ClinGen allele CA347129518.
Genomic context (GRCh38, chr2:69,423,583, plus strand): 5'-CCCAAAGTCAGTTAGTTATTTATGTTTCTTGGTAAAAGCAAATGAAAACAGTAATATACC[T>C]AGCCAGAGGGGAGCGAAATGCTGCAGCTGGGGTGGGAAAATCCATGGTCCTTGTCTCAAG-3'
Protein context (NP_001002755.1, residues 91-111): PAAAFRSPLA[Arg101Gly]QLFRIEGVKS

ClinVar aggregate classification (germline): Uncertain significance. Review status: criteria provided, single submitter (1 of 4 stars). 2 submissions from 2 submitters: Uncertain significance (1). 1 of the submissions does not count toward it. Last evaluated 2020-01-11.

Conditions:
Spastic paraplegia 93, autosomal recessive. Identifiers: MedGen C5975375, MONDO:0975796, OMIM 620938.

Allele frequency attached by ClinVar (database versions not stated): gnomAD exomes 0.00002.
gnomAD v4.1: 27 of 1,613,042 alleles (0.0017%); highest among the groups gnomAD compares: African/African-American, 0.011%; 1 homozygote.

Submissions (2):

GeneDx
Classification: Uncertain significance. Last evaluated: 2020-01-11. Review status: criteria provided, single submitter. Criteria: GeneDx Variant Classification Process June 2021. Collection method: clinical testing. Allele origin: germline. Affected: yes.
Comment: Not observed in large population cohorts (Lek et al., 2016); In silico analysis, which includes protein predictors and evolutionary conservation, supports a deleterious effect; Has not been previously published as pathogenic or benign to our knowledge; In-silico analysis, which includes splice predictors and evolutionary conservation, is inconclusive as to whether the variant alters gene splicing. In the absence of RNA/functional studies, the actual effect of this sequence change is unknown.

OMIM
Classification: Pathogenic for SPASTIC PARAPLEGIA 93, AUTOSOMAL RECESSIVE. Last evaluated: 2024-09-09. Review status: no assertion criteria provided. Collection method: literature only. Allele origin: germline. Not counted in ClinVar's aggregate classification.

Literature cited by the submitters: PubMed 36256512 (cited by OMIM).